The following is an entry in ClinVar:

NM_007294.4(BRCA1):c.2669_2670dup (p.Ser891fs)

Gene: BRCA1 (BRCA1 DNA repair associated; minus strand). Cytogenetic location: 17q21.31.
Variant type: Duplication.
Coding change: c.2669_2670dup on transcript NM_007294.4 (MANE Select); coding-DNA positions 2669 to 2670, 2 bases duplicated (GG; older notation c.2669_2670dupGG).
Protein change: p.Ser891fs; shifts the reading frame from serine 891.
Molecular consequence: frameshift variant. On other transcripts: intron variant (137).
Genome position (GRCh38, 1-based): chr17:43,092,861-43,092,862, CC duplicated on the plus strand (GG on the coding strand, the reverse complement: BRCA1 is on the minus strand); duplicating any 2 consecutive bases within chr17:43,092,861-43,092,863 gives the same sequence; the c. name uses the placement nearest the transcript's 3' end. VCF-style (leftmost placement, unchanged base first): chr17-43092860-A-ACC. GRCh37 (hg19) VCF-style: chr17-41244877-A-ACC.
Other names: c.2405_2406dup, p.Ser803fs (NM_001407928.1, NM_001407929.1, NM_001407933.1 and 9 more transcripts); c.2402_2403dup, p.Ser802fs (NM_001407930.1, NM_001407931.1, NM_001407932.1 and 2 more transcripts); c.2546_2547dup, p.Ser850fs (NM_001407937.1, NM_001407938.1, NM_001407939.1 and 19 more transcripts); c.2543_2544dup, p.Ser849fs (NM_001407940.1, NM_001407941.1, NM_001407685.1 and 11 more transcripts); c.2528_2529dup, p.Ser844fs (NM_001407942.1, NM_001407944.1, NM_001407945.1 and 29 more transcripts); c.2525_2526dup, p.Ser843fs (NM_001407943.1, NM_001407964.1, NM_001407740.1 and 20 more transcripts); c.578-1830_578-1829dup (NM_001408483.1, NM_001408489.1, NM_001408479.1 and 9 more transcripts); c.647-1830_647-1829dup (NM_001408454.1, NM_001408456.1, NM_001408410.1 and 11 more transcripts); and 41 more; short protein forms S595fs, S723fs, S763fs, S764fs, S779fs, S780fs, S802fs, S803fs.
Identifiers: ClinVar variation 3773497 (VCV003773497.1).

ClinVar aggregate classification (germline): Pathogenic (1 of 4 stars; one submission).

Conditions:
Breast-ovarian cancer, familial, susceptibility to, 1 (BROVCA1). Also called: BRCA1 Hereditary Breast and Ovarian Cancer; OVARIAN CANCER, SUSCEPTIBILITY TO. Identifiers: Orphanet 145, MedGen C2676676, MONDO:0011450, OMIM 604370. Disease mechanism: loss of function.

Submission:

Myriad Genetics, Inc.
Classification: Pathogenic for Breast-ovarian cancer, familial, susceptibility to, 1. Last evaluated: 2024-10-01. Review status: criteria provided, single submitter. Criteria: Myriad Autosomal Dominant, Autosomal Recessive and X-Linked Classification Criteria (2023). Collection method: clinical testing. Allele origin: unknown.
Comment: This variant is considered pathogenic. This variant creates a frameshift predicted to result in premature protein truncation.